The following is an entry in ClinVar:

ClinVar aggregate classification (germline): Uncertain significance (1 of 4 stars; one submission).

Conditions:
Retinoblastoma (RB1). Also called: RETINOBLASTOMA, SOMATIC. Identifiers: Orphanet 790, MedGen C0035335, MeSH D012175, MONDO:0008380, OMIM 180200, HP:0009919. Disease mechanism: loss of function. Inheritance: Both sporadic and heritable forms are tested..

Submission:

Labcorp Genetics (formerly Invitae), Labcorp
Classification: Uncertain significance for Retinoblastoma. Last evaluated: 2023-07-21. Review status: criteria provided, single submitter. Criteria: Invitae Variant Classification Sherloc (09022015). Collection method: clinical testing. Allele origin: germline.
Comment: This variant is not present in population databases (gnomAD no frequency). This sequence change replaces phenylalanine, which is neutral and non-polar, with serine, which is neutral and polar, at codon 684 of the RB1 protein (p.Phe684Ser). This variant has not been reported in the literature in individuals affected with RB1-related conditions. Advanced modeling of protein sequence and biophysical properties (such as structural, functional, and spatial information, amino acid conservation, physicochemical variation, residue mobility, and thermodynamic stability) performed at Invitae indicates that this missense variant is expected to disrupt RB1 protein function. In summary, the available evidence is currently insufficient to determine the role of this variant in disease. Therefore, it has been classified as a Variant of Uncertain Significance.

NM_000321.3(RB1):c.2051T>C (p.Phe684Ser)

Gene: RB1 (RB transcriptional corepressor 1; plus strand). Cytogenetic location: 13q14.2.
Variant type: single nucleotide variant.
Coding change: c.2051T>C on transcript NM_000321.3 (MANE Select); coding-DNA position 2051, T replaced by C.
Protein change: p.Phe684Ser; replaces phenylalanine 684 with serine.
Molecular consequence: missense variant.
Genome position (GRCh38, 1-based): chr13:48,459,778, T>C. VCF-style: chr13-48459778-T-C. GRCh37 (hg19) VCF-style: chr13-49033914-T-C.
Other names: c.2051T>C, p.Phe684Ser (NM_001407165.1); short protein forms F684S.
Identifiers: ClinVar variation 2745601 (VCV002745601.3), dbSNP rs2542368345, ClinGen allele CA388166849.
Genomic context (GRCh38, chr13:48,459,778, plus strand): 5'-CACTTTGTGAACGCCTTCTGTCTGAGCACCCAGAATTAGAACATATCATCTGGACCCTTT[T>C]CCAGCACACCCTGCAGAATGAGTATGAACTCATGAGAGACAGGCATTTGGACCAAGTAAG-3'
Protein context (NP_000312.2, residues 674-694): PELEHIIWTL[Phe684Ser]QHTLQNEYEL